The following is an entry in ClinVar:

ClinVar aggregate classification (germline): Likely benign. Review status: criteria provided, single submitter (1 of 4 stars). 2 submissions from 2 submitters: Likely benign (1). 1 of the submissions does not count toward it. Last evaluated 2019-12-31.

Conditions:
HDLBP-related disorder. Also called: HDLBP-related condition.

Allele frequency attached by ClinVar (database versions not stated): gnomAD 0.00006 and 0.00009; ESP Exome Variant Server 0.00008; gnomAD exomes 0.00010 and 0.00017; TOPMed 0.00013; ExAC 0.00016.
gnomAD v4.1: 170 of 1,614,146 alleles (0.011%); highest among the groups gnomAD compares: Middle Eastern, 0.13%; 1 homozygote.

Submissions (2):

Labcorp Genetics (formerly Invitae), Labcorp
Classification: Likely benign. Last evaluated: 2019-12-31. Review status: criteria provided, single submitter. Criteria: Invitae Variant Classification Sherloc (09022015). Collection method: clinical testing. Allele origin: germline.

PreventionGenetics, part of Exact Sciences
Classification: Likely benign for HDLBP-related condition. Last evaluated: 2019-04-08. Review status: no assertion criteria provided. Collection method: clinical testing. Allele origin: germline. Not counted in ClinVar's aggregate classification.
Comment: This variant is classified as likely benign based on ACMG/AMP sequence variant interpretation guidelines (Richards et al. 2015 PMID: 25741868, with internal and published modifications).

NM_005336.6(HDLBP):c.2049C>T (p.Cys683=)

Gene: HDLBP (high density lipoprotein binding protein; minus strand). Cytogenetic location: 2q37.3.
Variant type: single nucleotide variant.
Coding change: c.2049C>T on transcript NM_005336.6 (MANE Select); coding-DNA position 2049, C replaced by T.
Protein change: p.Cys683=; no amino-acid change (cysteine 683 retained).
Molecular consequence: synonymous variant.
Genome position (GRCh38, 1-based): chr2:241,242,580, G>A on the plus strand (C>T on the coding strand, the complement: HDLBP is on the minus strand). VCF-style: chr2-241242580-G-A. GRCh37 (hg19) VCF-style: chr2-242181995-G-A.
Other names: c.1950C>T, p.Cys650= (NM_001243900.3); c.2049C>T, p.Cys683= (NM_001320965.3, NM_001320966.3, NM_001320967.3 and 1 more transcripts); c.2049C>T (NM_001320966.1).
Identifiers: ClinVar variation 753301 (VCV000753301.6), dbSNP rs374252279, ClinGen allele CA2216468.